The following is an entry in ClinVar:

NM_000548.5(TSC2):c.2286G>C (p.Leu762Phe)

Gene: TSC2 (TSC complex subunit 2; plus strand). Cytogenetic location: 16p13.3.
Variant type: single nucleotide variant.
Coding change: c.2286G>C on transcript NM_000548.5 (MANE Select); coding-DNA position 2286, G replaced by C.
Protein change: p.Leu762Phe; replaces leucine 762 with phenylalanine.
Molecular consequence: missense variant. On other transcripts: non-coding transcript variant (5).
Genome position (GRCh38, 1-based): chr16:2,072,914, G>C. VCF-style: chr16-2072914-G-C. GRCh37 (hg19) VCF-style: chr16-2122915-G-C.
Other names: c.942G>C, p.Leu314Phe (NM_001406689.1, NM_001406690.1, NM_001406691.1 and 6 more transcripts); c.2286G>C, p.Leu762Phe (NM_001077183.3, NM_001114382.3, NM_001363528.2 and 6 more transcripts); c.2175G>C, p.Leu725Phe (NM_001318827.2, NM_001406670.1, NM_001406678.1); c.2139G>C, p.Leu713Phe (NM_001318829.2, NM_001406675.1, NM_001406676.1 and 1 more transcripts); c.1686G>C, p.Leu562Phe (NM_001318831.2, NM_001406680.1, NM_001406682.1 and 6 more transcripts); c.2319G>C, p.Leu773Phe (NM_001318832.2); c.2376G>C, p.Leu792Phe (NM_001406667.1, NM_001406668.1); c.2274G>C, p.Leu758Phe (NM_001406671.1, NM_001406673.1); and 3 more; short protein forms L562F, L725F, L773F, L713F, L743F, L792F, L314F, L608F.
Identifiers: ClinVar variation 2786476 (VCV002786476.3), dbSNP rs2543765401, ClinGen allele CA394276582.
Genomic context (GRCh38, chr16:2,072,914, plus strand): 5'-AGGCCCAAAGACACTGGAGCGGCTCCGAGGCGCCCCAGAAGGCTTCTCCAGAACTGACTT[G>C]CACCTGGCCGTGGTTCCAGTGCTGACAGCATTAATCTCTTACCATAACTACCTGGACAAA-3'
Protein context (NP_000539.2, residues 752-772): GAPEGFSRTD[Leu762Phe]HLAVVPVLTA

ClinVar aggregate classification (germline): Uncertain significance (1 of 4 stars; one submission).

Conditions:
Tuberous sclerosis 2 (TSC2). Identifiers: Orphanet 805, MedGen C1860707, MONDO:0013199, OMIM 613254.

Submission:

Labcorp Genetics (formerly Invitae), Labcorp
Classification: Uncertain significance for Tuberous sclerosis 2. Last evaluated: 2023-10-17. Review status: criteria provided, single submitter. Criteria: Invitae Variant Classification Sherloc (09022015). Collection method: clinical testing. Allele origin: germline.
Comment: This sequence change replaces leucine, which is neutral and non-polar, with phenylalanine, which is neutral and non-polar, at codon 762 of the TSC2 protein (p.Leu762Phe). This variant is not present in population databases (gnomAD no frequency). This variant has not been reported in the literature in individuals affected with TSC2-related conditions. Advanced modeling of protein sequence and biophysical properties (such as structural, functional, and spatial information, amino acid conservation, physicochemical variation, residue mobility, and thermodynamic stability) performed at Invitae indicates that this missense variant is not expected to disrupt TSC2 protein function. In summary, the available evidence is currently insufficient to determine the role of this variant in disease. Therefore, it has been classified as a Variant of Uncertain Significance.